The following is an entry in ClinVar:

ClinVar aggregate classification (germline): Conflicting classifications of pathogenicity. Review status: criteria provided, conflicting classifications (1 of 4 stars). 2 submissions from 2 submitters: Uncertain significance (1); Likely benign (1). Last evaluated 2023-03-23.

Conditions:
Hereditary breast ovarian cancer syndrome. Also called: Hereditary breast and ovarian cancer syndrome (HBOC); Hereditary breast and ovarian cancer syndrome; Breast and ovarian cancer; Hereditary breast and/or ovarian cancer syndrome; Hereditary breast and ovarian cancer; BRCA1- and BRCA2-Associated Hereditary Breast and Ovarian Cancer. Identifiers: Orphanet 145, MedGen C0677776, MeSH D061325, MONDO:0003582. Disease mechanism: loss of function.
Hereditary cancer-predisposing syndrome. Also called: Neoplastic Syndromes, Hereditary; Hereditary Cancer Syndrome; Hereditary neoplastic syndrome; Tumor predisposition. Identifiers: Orphanet 140162, MedGen C0027672, MeSH D009386, MONDO:0015356.

Submissions (2):

University of Washington Department of Laboratory Medicine, University of Washington
Classification: Likely benign for Hereditary cancer-predisposing syndrome. Last evaluated: 2023-03-23. Review status: criteria provided, single submitter. Criteria: Dines et al. (Genet Med. 2020). Collection method: curation. Allele origin: germline.
Comment: Missense variant in a coldspot region where missense variants are very unlikely to be pathogenic (PMID:31911673).

BRCA2 exon 10 coldspot. Reclassification based on statistical prior probability.

Labcorp Genetics (formerly Invitae), Labcorp
Classification: Uncertain significance for Hereditary breast ovarian cancer syndrome. Last evaluated: 2017-03-28. Review status: criteria provided, single submitter. Criteria: Invitae Variant Classification Sherloc (09022015). Collection method: clinical testing. Allele origin: germline.
Comment: In summary, this variant is a novel missense change that is not predicted to affect protein function. There is no indication that it causes disease, but the available evidence is currently insufficient to prove that conclusively. Therefore, it has been classified as a Variant of Uncertain Significance. Algorithms developed to predict the effect of missense changes on protein structure and function output the following: SIFT: "Tolerated"; PolyPhen-2: "Benign"; Align-GVGD: "Class C0". The valine amino acid residue is found in multiple mammalian species, suggesting that this missense change does not adversely affect protein function. These predictions have not been confirmed by published functional studies. This variant is not present in population databases (ExAC no frequency) and has not been reported in the literature in individuals with a BRCA2-related disease. This sequence change replaces glycine with valine at codon 284 of the BRCA2 protein (p.Gly284Val). The glycine residue is weakly conserved and there is a moderate physicochemical difference between glycine and valine.

NM_000059.4(BRCA2):c.851G>T (p.Gly284Val)

Gene: BRCA2 (BRCA2 DNA repair associated; plus strand). Cytogenetic location: 13q13.1.
Variant type: single nucleotide variant.
Coding change: c.851G>T on transcript NM_000059.4 (MANE Select); coding-DNA position 851, G replaced by T.
Protein change: p.Gly284Val; replaces glycine 284 with valine.
Molecular consequence: missense variant.
Genome position (GRCh38, 1-based): chr13:32,332,329, G>T. VCF-style: chr13-32332329-G-T. GRCh37 (hg19) VCF-style: chr13-32906466-G-T.
Other names: short protein forms G284V.
Identifiers: ClinVar variation 462482 (VCV000462482.10), dbSNP rs1064793865, ClinGen allele CA387760534.
Genomic context (GRCh38, chr13:32,332,329, plus strand): 5'-CAGGATTTGGAAAAACATCAGGGAATTCATTTAAAGTAAATAGCTGCAAAGACCACATTG[G>T]AAAGTCAATGCCAAATGTCCTAGAAGATGAAGTATATGAAACAGTTGTAGATACCTCTGA-3'
Protein context (NP_000050.3, residues 274-294): FKVNSCKDHI[Gly284Val]KSMPNVLEDE